The following is an entry in ClinVar:

ClinVar aggregate classification (germline): Conflicting classifications of pathogenicity. Review status: criteria provided, conflicting classifications (1 of 4 stars). 2 submissions from 2 submitters: Uncertain significance (1); Likely benign (1). Last evaluated 2025-01-27.

Conditions:
Hereditary cancer-predisposing syndrome. Also called: Hereditary neoplastic syndrome; Neoplastic Syndromes, Hereditary; Tumor predisposition; Hereditary Cancer Syndrome. Identifiers: Orphanet 140162, MedGen C0027672, MeSH D009386, MONDO:0015356.
Familial cancer of breast. Also called: hereditary breast carcinoma; BREAST CANCER, FAMILIAL; Hereditary breast cancer. Identifiers: Orphanet 227535, MedGen C0346153, MONDO:0016419, OMIM 114480. Disease mechanism: loss of function.

Allele frequency attached by ClinVar (database versions not stated): gnomAD exomes below 0.00001.

Submissions (2):

Ambry Genetics
Classification: Likely benign for Hereditary cancer-predisposing syndrome. Last evaluated: 2025-01-27. Review status: criteria provided, single submitter. Criteria: Ambry Variant Classification Scheme 2023. Collection method: clinical testing. Allele origin: germline.

Labcorp Genetics (formerly Invitae), Labcorp
Classification: Uncertain significance for Familial cancer of breast. Last evaluated: 2021-08-31. Review status: criteria provided, single submitter. Criteria: Invitae Variant Classification Sherloc (09022015). Collection method: clinical testing. Allele origin: germline.
Comment: This sequence change replaces glutamine with histidine at codon 285 of the BARD1 protein (p.Gln285His). The glutamine residue is weakly conserved and there is a small physicochemical difference between glutamine and histidine. This variant is not present in population databases (ExAC no frequency). This variant has not been reported in the literature in individuals affected with BARD1-related conditions. Algorithms developed to predict the effect of missense changes on protein structure and function output the following: SIFT: "Tolerated"; PolyPhen-2: "Benign"; Align-GVGD: "Class C0". The histidine amino acid residue is found in multiple mammalian species, which suggests that this missense change does not adversely affect protein function. In summary, the available evidence is currently insufficient to determine the role of this variant in disease. Therefore, it has been classified as a Variant of Uncertain Significance.

NM_000465.4(BARD1):c.855A>T (p.Gln285His)

Gene: BARD1 (BRCA1 associated RING domain 1; minus strand). Cytogenetic location: 2q35.
Variant type: single nucleotide variant.
Coding change: c.855A>T on transcript NM_000465.4 (MANE Select); coding-DNA position 855, A replaced by T.
Protein change: p.Gln285His; replaces glutamine 285 with histidine.
Molecular consequence: missense variant. On other transcripts: non-coding transcript variant (2), intron variant (3).
Genome position (GRCh38, 1-based): chr2:214,781,019, T>A on the plus strand (A>T on the coding strand, the complement: BARD1 is on the minus strand). VCF-style: chr2-214781019-T-A. GRCh37 (hg19) VCF-style: chr2-215645743-T-A.
Other names: c.798A>T, p.Gln266His (NM_001282543.2); c.158+28393A>T (NM_001282548.2); c.215+16042A>T (NM_001282545.2); c.364+11278A>T (NM_001282549.2); c.855A>T (NM_000465.2); short protein forms Q266H, Q285H.
Identifiers: ClinVar variation 940604 (VCV000940604.9), dbSNP rs1694987168, ClinGen allele CA350455218.